The following is an entry in ClinVar:

NM_001267550.2(TTN):c.19881G>A (p.Ser6627=)

Genes: TTN (titin; minus strand), LOC126806429 (BRD4-independent group 4 enhancer GRCh37_chr2:179591393-179592592; plus strand). Cytogenetic location: 2q31.2.
Variant type: single nucleotide variant.
Coding change: c.19881G>A on transcript NM_001267550.2 (MANE Select); coding-DNA position 19881, G replaced by A.
Protein change: p.Ser6627=; no amino-acid change (serine 6627 retained).
Molecular consequence: synonymous variant. On other transcripts: intron variant (3).
Genome position (GRCh38, 1-based): chr2:178,727,697, C>T on the plus strand (G>A on the coding strand, the complement: TTN is on the minus strand). VCF-style: chr2-178727697-C-T. GRCh37 (hg19) VCF-style: chr2-179592424-C-T.
Other names: c.18930G>A, p.Ser6310= (NM_001256850.1); c.16149G>A, p.Ser5383= (NM_133378.4); c.13282+10385G>A (NM_003319.4); c.13858+10385G>A (NM_133437.4); c.13657+10385G>A (NM_133432.3).
Identifiers: ClinVar variation 282836 (VCV000282836.31), dbSNP rs371495674, ClinGen allele CA2001316.

ClinVar aggregate classification (germline): Conflicting classifications of pathogenicity. Review status: criteria provided, conflicting classifications (1 of 4 stars). 9 submissions from 9 submitters: Uncertain significance (2); Likely benign (5). 2 of the submissions do not count toward it. Last evaluated 2025-08-20.

Conditions:
Autosomal recessive limb-girdle muscular dystrophy type 2J (LGMDR10). Also called: Limb-girdle muscular dystrophy, type 2J; MUSCULAR DYSTROPHY, LIMB-GIRDLE, AUTOSOMAL RECESSIVE 10. Identifiers: Orphanet 140922, MedGen C1837342, MONDO:0012127, OMIM 608807.
Dilated cardiomyopathy 1G (CMD1G). Identifiers: Orphanet 154, MedGen C1858763, MONDO:0011400, OMIM 604145.

Allele frequency attached by ClinVar (database versions not stated): ExAC 0.00004; gnomAD exomes 0.00004 and 0.00007; TOPMed 0.00010; gnomAD 0.00011 and 0.00012; 1000 Genomes Project 30x 0.00016; ESP Exome Variant Server 0.00016.
gnomAD v4.1: 120 of 1,613,158 alleles (0.0074%); highest among the groups gnomAD compares: African/African-American, 0.0093%; no homozygotes.

Submissions (9):

Labcorp Genetics (formerly Invitae), Labcorp
Classification: Likely benign for Dilated cardiomyopathy 1G; Autosomal recessive limb-girdle muscular dystrophy type 2J. Last evaluated: 2025-08-20. Review status: criteria provided, single submitter. Criteria: Invitae Variant Classification Sherloc (09022015). Collection method: clinical testing. Allele origin: germline.

CeGaT Center for Human Genetics Tuebingen
Classification: Likely benign. Last evaluated: 2025-05-01. Review status: criteria provided, single submitter. Criteria: CeGaT Center For Human Genetics Tuebingen Variant Classification Criteria Version 2. Collection method: clinical testing. Allele origin: germline. Affected: yes. Observed: 1 variant allele.
Comment: TTN: BP4, BP7

Molecular Diagnostic Laboratory for Inherited Cardiovascular Disease, Montreal Heart Institute
Classification: Likely benign. Last evaluated: 2025-04-09. Review status: criteria provided, single submitter. Criteria: ACMG Guidelines, 2015. Collection method: clinical testing. Allele origin: germline. Affected: no.

Blueprint Genetics
Classification: Likely benign. Last evaluated: 2024-08-15. Review status: criteria provided, single submitter. Criteria: ACMG Guidelines, 2015. Collection method: clinical testing. Allele origin: germline.

Revvity Omics, Revvity
Classification: Uncertain significance. Last evaluated: 2019-07-10. Review status: criteria provided, single submitter. Criteria: ACMG Guidelines, 2015. Collection method: clinical testing. Allele origin: germline.

GeneDx
Classification: Likely benign. Last evaluated: 2017-12-11. Review status: criteria provided, single submitter. Criteria: GeneDx Variant Classification (06012015). Collection method: clinical testing. Allele origin: germline. Affected: yes.
Comment: This variant is considered likely benign or benign based on one or more of the following criteria: it is a conservative change, it occurs at a poorly conserved position in the protein, it is predicted to be benign by multiple in silico algorithms, and/or has population frequency not consistent with disease.

Eurofins Ntd Llc (ga)
Classification: Uncertain significance. Last evaluated: 2015-08-19. Review status: criteria provided, single submitter. Criteria: EGL Classification Definitions 2015. Collection method: clinical testing. Allele origin: germline. Observed: 1 variant allele, 1 heterozygote.

Clinical Genetics, Academic Medical Center
Classification: Benign. Review status: no assertion criteria provided. Collection method: clinical testing. Allele origin: germline. Affected: yes. Study: VKGL Data-share Consensus. Not counted in ClinVar's aggregate classification.

Diagnostic Laboratory, Department of Genetics, University Medical Center Groningen
Classification: Likely benign. Review status: no assertion criteria provided. Collection method: clinical testing. Allele origin: germline. Affected: yes. Study: VKGL Data-share Consensus. Not counted in ClinVar's aggregate classification.